The following is an entry in ClinVar:

NM_001379270.1(CNGA1):c.545+5C>T

Genes: CNGA1 (cyclic nucleotide gated channel subunit alpha 1; minus strand), LOC101927157 (uncharacterized LOC101927157; plus strand). Cytogenetic location: 4p12.
Variant type: single nucleotide variant.
Coding change: c.545+5C>T on transcript NM_001379270.1 (MANE Select); 5 bases into the intron after coding-DNA position 545, C replaced by T.
Molecular consequence: intron variant.
Genome position (GRCh38, 1-based): chr4:47,942,036, G>A on the plus strand (C>T on the coding strand, the complement: CNGA1 is on the minus strand). VCF-style: chr4-47942036-G-A. GRCh37 (hg19) VCF-style: chr4-47944053-G-A.
Other names: c.557+5C>T (NM_000087.3); c.545+5C>T (NM_000087.5, NM_001142564.2).
Identifiers: ClinVar variation 1946270 (VCV001946270.5), dbSNP rs199766817, ClinGen allele CA2911258.

ClinVar aggregate classification (germline): Conflicting classifications of pathogenicity. Review status: criteria provided, conflicting classifications (1 of 4 stars). 4 submissions from 4 submitters: Uncertain significance (3); Likely benign (1). Last evaluated 2026-06-26.

Conditions:
CNGA1-related disorder. Also called: CNGA1-related condition.

Allele frequency attached by ClinVar (database versions not stated): gnomAD 0.00003; gnomAD exomes 0.00003; ExAC 0.00012; 1000 Genomes Project 0.00260.
gnomAD v4.1: 37 of 1,279,078 alleles (0.0029%); highest among the groups gnomAD compares: East Asian, 0.054%; no homozygotes.

Submissions (4):

PreventionGenetics, part of Exact Sciences
Classification: Likely benign for CNGA1-related condition. Last evaluated: 2026-06-26. Review status: criteria provided, single submitter. Criteria: ACMG Guidelines, 2015. Collection method: clinical testing. Allele origin: germline.
Comment: This variant is classified as likely benign based on ACMG/AMP sequence variant interpretation guidelines (Richards et al. 2015 PMID: 25741868, with internal and published modifications).

Blueprint Genetics
Classification: Uncertain significance. Last evaluated: 2024-02-20. Review status: criteria provided, single submitter. Criteria: ACMG Guidelines, 2015. Collection method: clinical testing. Allele origin: germline.

Women's Health and Genetics/Laboratory Corporation of America, LabCorp
Classification: Uncertain significance. Last evaluated: 2024-01-11. Review status: criteria provided, single submitter. Criteria: LabCorp Variant Classification Summary - May 2015. Collection method: clinical testing. Allele origin: germline.

Labcorp Genetics (formerly Invitae), Labcorp
Classification: Uncertain significance. Last evaluated: 2022-08-16. Review status: criteria provided, single submitter. Criteria: Invitae Variant Classification Sherloc (09022015). Collection method: clinical testing. Allele origin: germline.
Comment: This sequence change falls in intron 9 of the CNGA1 gene. It does not directly change the encoded amino acid sequence of the CNGA1 protein. It affects a nucleotide within the consensus splice site. The frequency data for this variant in the population databases is considered unreliable, as metrics indicate poor data quality at this position in the gnomAD database. This variant has not been reported in the literature in individuals affected with CNGA1-related conditions. Variants that disrupt the consensus splice site are a relatively common cause of aberrant splicing (PMID: 17576681, 9536098). Algorithms developed to predict the effect of sequence changes on RNA splicing suggest that this variant is not likely to affect RNA splicing. In summary, the available evidence is currently insufficient to determine the role of this variant in disease. Therefore, it has been classified as a Variant of Uncertain Significance.

Literature cited by the submitters: PubMed 17576681 (cited by Labcorp Genetics (formerly Invitae), Labcorp); PubMed 9536098 (cited by Labcorp Genetics (formerly Invitae), Labcorp).